The following is an entry in ClinVar:

ClinVar aggregate classification (germline): Uncertain significance (1 of 4 stars; one submission).

Conditions:
Cryptosporidiosis-chronic cholangitis-liver disease syndrome. Also called: IL21R immunodeficiency; Immunodeficiency type 56. Identifiers: Orphanet 357329, MedGen C3554687, MONDO:0014082, OMIM 615207.

Allele frequency attached by ClinVar (database versions not stated): ExAC 0.00001; gnomAD 0.00001; gnomAD exomes 0.00001.
gnomAD v4.1: 12 of 1,614,090 alleles (0.00074%); highest among the groups gnomAD compares: Non-Finnish European, 0.00068%; no homozygotes.

Submission:

Labcorp Genetics (formerly Invitae), Labcorp
Classification: Uncertain significance for Cryptosporidiosis-chronic cholangitis-liver disease syndrome. Last evaluated: 2022-07-12. Review status: criteria provided, single submitter. Criteria: Invitae Variant Classification Sherloc (09022015). Collection method: clinical testing. Allele origin: germline.
Comment: This sequence change replaces threonine, which is neutral and polar, with methionine, which is neutral and non-polar, at codon 75 of the IL21R protein (p.Thr75Met). This variant is present in population databases (rs747751606, gnomAD 0.0009%). This variant has not been reported in the literature in individuals affected with IL21R-related conditions. ClinVar contains an entry for this variant (Variation ID: 1419197). Algorithms developed to predict the effect of missense changes on protein structure and function are either unavailable or do not agree on the potential impact of this missense change (SIFT: "Tolerated"; PolyPhen-2: "Probably Damaging"; Align-GVGD: "Class C0"). In summary, the available evidence is currently insufficient to determine the role of this variant in disease. Therefore, it has been classified as a Variant of Uncertain Significance.

NM_181078.3(IL21R):c.224C>T (p.Thr75Met)

Gene: IL21R (interleukin 21 receptor; plus strand). Cytogenetic location: 16p12.1.
Variant type: single nucleotide variant.
Coding change: c.224C>T on transcript NM_181078.3 (MANE Select); coding-DNA position 224, C replaced by T.
Protein change: p.Thr75Met; replaces threonine 75 with methionine.
Molecular consequence: missense variant.
Genome position (GRCh38, 1-based): chr16:27,437,559, C>T. VCF-style: chr16-27437559-C-T. GRCh37 (hg19) VCF-style: chr16-27448880-C-T.
Other names: c.224C>T, p.Thr75Met (NM_021798.4); c.290C>T, p.Thr97Met (NM_181079.5); short protein forms T97M, T75M.
Identifiers: ClinVar variation 1419197 (VCV001419197.6), dbSNP rs747751606, ClinGen allele CA7974921.